The following is an entry in ClinVar:

NM_004525.3(LRP2):c.9621C>A (p.Tyr3207Ter)

Gene: LRP2 (LDL receptor related protein 2; minus strand). Cytogenetic location: 2q31.1.
Variant type: single nucleotide variant.
Coding change: c.9621C>A on transcript NM_004525.3 (MANE Select); coding-DNA position 9621, C replaced by A.
Protein change: p.Tyr3207Ter; replaces tyrosine 3207 with a stop codon.
Molecular consequence: nonsense.
Genome position (GRCh38, 1-based): chr2:169,185,727, G>T on the plus strand (C>A on the coding strand, the complement: LRP2 is on the minus strand). VCF-style: chr2-169185727-G-T. GRCh37 (hg19) VCF-style: chr2-170042237-G-T.
Other names: short protein forms Y3207*.
Identifiers: ClinVar variation 2703549 (VCV002703549.3), dbSNP rs2545755076, ClinGen allele CA349153860.
Genomic context (GRCh38, chr2:169,185,727, plus strand): 5'-GTCCAGTCCTTCCAAGATGAGGGAGTAAAAATAGCCATCTATAGTTAAATTTCTCAAATA[G>T]TAACGGTTGCTAAAAATGAGATAGGGTTCGATGTTACTGTTTTGCCGGCAGGTCTTTCCA-3'

ClinVar aggregate classification (germline): Pathogenic (1 of 4 stars; one submission).

Submission:

Labcorp Genetics (formerly Invitae), Labcorp
Classification: Pathogenic. Last evaluated: 2023-12-16. Review status: criteria provided, single submitter. Criteria: Invitae Variant Classification Sherloc (09022015). Collection method: clinical testing. Allele origin: germline.
Comment: This sequence change creates a premature translational stop signal (p.Tyr3207*) in the LRP2 gene. It is expected to result in an absent or disrupted protein product. Loss-of-function variants in LRP2 are known to be pathogenic (PMID: 17632512, 25682901). This variant is not present in population databases (gnomAD no frequency). This variant has not been reported in the literature in individuals affected with LRP2-related conditions. For these reasons, this variant has been classified as Pathogenic.

Literature cited by the submitters: PubMed 17632512; PubMed 25682901.